The following is an entry in ClinVar:

ClinVar aggregate classification (germline): Likely benign (1 of 4 stars; one submission).

Submission:

GeneDx
Classification: Likely benign. Last evaluated: 2018-05-03. Review status: criteria provided, single submitter. Criteria: GeneDx Variant Classification (06012015). Collection method: clinical testing. Allele origin: germline. Affected: yes.
Comment: This variant is considered likely benign or benign based on one or more of the following criteria: it is a conservative change, it occurs at a poorly conserved position in the protein, it is predicted to be benign by multiple in silico algorithms, and/or has population frequency not consistent with disease.

NM_001267550.2(TTN):c.77403A>C (p.Lys25801Asn)

Genes: TTN (titin; minus strand), TTN-AS1 (TTN antisense RNA 1; plus strand). Cytogenetic location: 2q31.2.
Variant type: single nucleotide variant.
Coding change: c.77403A>C on transcript NM_001267550.2 (MANE Select); coding-DNA position 77403, A replaced by C.
Protein change: p.Lys25801Asn; replaces lysine 25801 with asparagine.
Molecular consequence: missense variant.
Genome position (GRCh38, 1-based): chr2:178,568,729, T>G on the plus strand (A>C on the coding strand, the complement: TTN is on the minus strand). VCF-style: chr2-178568729-T-G. GRCh37 (hg19) VCF-style: chr2-179433456-T-G.
Other names: c.72480A>C, p.Lys24160Asn (NM_001256850.1); c.50208A>C, p.Lys16736Asn (NM_003319.4); c.69699A>C, p.Lys23233Asn (NM_133378.4); c.50583A>C, p.Lys16861Asn (NM_133432.3); c.50784A>C, p.Lys16928Asn (NM_133437.4); short protein forms K16736N, K16861N, K25801N, K24160N, K16928N, K23233N.
Identifiers: ClinVar variation 682592 (VCV000682592.1), dbSNP rs1575711892, ClinGen allele CA349610660.